The following is an entry in ClinVar:

NM_000090.4(COL3A1):c.718G>A (p.Gly240Arg)

Gene: COL3A1 (collagen type III alpha 1 chain; plus strand). Cytogenetic location: 2q32.2.
Variant type: single nucleotide variant.
Coding change: c.718G>A on transcript NM_000090.4 (MANE Select); coding-DNA position 718, G replaced by A.
Protein change: p.Gly240Arg; replaces glycine 240 with arginine.
Molecular consequence: missense variant.
Genome position (GRCh38, 1-based): chr2:188,990,123, G>A. VCF-style: chr2-188990123-G-A. GRCh37 (hg19) VCF-style: chr2-189854849-G-A.
Other names: short protein forms G240R.
Identifiers: ClinVar variation 3634084 (VCV003634084.2).

ClinVar aggregate classification (germline): Likely pathogenic (1 of 4 stars; one submission).

Conditions:
Ehlers-Danlos syndrome, type 4 (EDSVASC). Also called: Ehlers-Danlos syndrome vascular type; Ehlers Danlos syndrome, ecchymotic type; Ehlers Danlos syndrome, arterial type; Ehlers Danlos syndrome, Sack-Barabas type; Ehlers-Danlos Syndrome Type IV. Identifiers: Orphanet 286, MedGen C0268338, MONDO:0017314, OMIM 130050.

Submission:

Labcorp Genetics (formerly Invitae), Labcorp
Classification: Likely pathogenic for Ehlers-Danlos syndrome, type 4. Last evaluated: 2025-01-11. Review status: criteria provided, single submitter. Criteria: Invitae Variant Classification Sherloc (09022015). Collection method: clinical testing. Allele origin: germline.
Comment: This sequence change replaces glycine, which is neutral and non-polar, with arginine, which is basic and polar, at codon 240 of the COL3A1 protein (p.Gly240Arg). This variant is not present in population databases (gnomAD no frequency). This missense change has been observed in individual(s) with clinical features of COL3A1-related conditions (PMID: 10706896). Invitae Evidence Modeling of protein sequence and biophysical properties (such as structural, functional, and spatial information, amino acid conservation, physicochemical variation, residue mobility, and thermodynamic stability) indicates that this missense variant is expected to disrupt COL3A1 protein function with a positive predictive value of 95%. Experimental studies have shown that this missense change affects COL3A1 function (PMID: 31406019). This variant disrupts the triple helix domain of COL3A1. Glycine residues within the Gly-Xaa-Yaa repeats of the triple helix domain are required for the structure and stability of fibrillar collagens (PMID: 7695699, 8218237, 19344236). In COL3A1, variants that affect these glycine residues are significantly enriched in individuals with disease (PMID: 24922459, 25758994) compared to the general population (ExAC). In summary, the currently available evidence indicates that the variant is pathogenic, but additional data are needed to prove that conclusively. Therefore, this variant has been classified as Likely Pathogenic.

Literature cited by the submitters: PubMed 10706896; PubMed 31406019; PubMed 7695699; PubMed 8218237; PubMed 19344236; PubMed 24922459; PubMed 25758994.